The following is an entry in ClinVar:

ClinVar aggregate classification (germline): Pathogenic/Likely pathogenic. Review status: criteria provided, multiple submitters, no conflicts (2 of 4 stars). 5 submissions from 5 submitters: Pathogenic (1); Likely pathogenic (4). Last evaluated 2024-10-07.

Conditions:
Glutaric aciduria, type 1. Also called: GA I; Glutaricaciduria, type I; Glutaryl-CoA dehydrogenase deficiency; Glutaric acidemia type I; Glutaricacidemia Type 1; Glutaric Acidemia Type 1. Identifiers: Orphanet 25, MedGen C0268595, MONDO:0009281, OMIM 231670.

Allele frequency attached by ClinVar (database versions not stated): TOPMed 0.00002.
gnomAD v4.1: 9 of 1,614,028 alleles (0.00056%); highest among the groups gnomAD compares: Non-Finnish European, 0.00068%; no homozygotes.

Submissions (5):

Natera, Inc.
Classification: Likely pathogenic for Glutaric acidemia type 1. Last evaluated: 2024-10-07. Review status: criteria provided, single submitter. Criteria: Natera Variant Classification Schema (03/2026). Collection method: clinical testing. Allele origin: germline.
Comment: The c.281G>T variant in GCDH is a missense variant predicted to cause substitution of arginine to leucine at amino acid 94. This variant is rare in the general population with a frequency below the threshold expected for the associated phenotype(s). This variant has been observed in one or more individuals affected with the associated recessive disease, as either homozygous or compound heterozygous with a second variant (PMID: 9600243). Functional studies show that this variant may disrupt protein function (PMID: 9600243). A different variant at the same position has been determined to be Pathogenic or Likely Pathogenic. Given the available evidence, this variant is classified as Likely Pathogenic.

Baylor Genetics
Classification: Likely pathogenic for Glutaric aciduria, type 1. Last evaluated: 2024-03-27. Review status: criteria provided, single submitter. Criteria: ACMG Guidelines, 2015. Collection method: clinical testing. Allele origin: unknown.

Labcorp Genetics (formerly Invitae), Labcorp
Classification: Pathogenic for Glutaric aciduria, type 1. Last evaluated: 2024-01-18. Review status: criteria provided, single submitter. Criteria: Invitae Variant Classification Sherloc (09022015). Collection method: clinical testing. Allele origin: germline.
Comment: This sequence change replaces arginine, which is basic and polar, with leucine, which is neutral and non-polar, at codon 94 of the GCDH protein (p.Arg94Leu). This variant is present in population databases (no rsID available, gnomAD 0.0009%). This missense change has been observed in individual(s) with glutaric acidemia type I (PMID: 9600243; Invitae). ClinVar contains an entry for this variant (Variation ID: 529446). Advanced modeling of protein sequence and biophysical properties (such as structural, functional, and spatial information, amino acid conservation, physicochemical variation, residue mobility, and thermodynamic stability) performed at Invitae indicates that this missense variant is not expected to disrupt GCDH protein function with a negative predictive value of 80%. Experimental studies have shown that this missense change affects GCDH function (PMID: 28062662). This variant disrupts the p.Arg94 amino acid residue in GCDH. Other variant(s) that disrupt this residue have been determined to be pathogenic (PMID: 25762492; Invitae). This suggests that this residue is clinically significant, and that variants that disrupt this residue are likely to be disease-causing. For these reasons, this variant has been classified as Pathogenic.

Women's Health and Genetics/Laboratory Corporation of America, LabCorp
Classification: Likely pathogenic for Glutaric aciduria, type 1. Last evaluated: 2023-12-21. Review status: criteria provided, single submitter. Criteria: LabCorp Variant Classification Summary - May 2015. Collection method: clinical testing. Allele origin: germline.
Comment: Variant summary: GCDH c.281G>T (p.Arg94Leu) results in a non-conservative amino acid change located in the Acyl-CoA oxidase/dehydrogenase, central domain (IPR006091) of the encoded protein sequence. Three of five in-silico tools predict a damaging effect of the variant on protein function. The variant allele was found at a frequency of 4.1e-06 in 246258 control chromosomes (gnomAD). The variant, c.281G>T, has been reported in the literature in a compound heterozygote individual affected with Glutaric Acidemia Type 1, who had a severely decreased GCDH activity (<0.5% of WT) in cultured fibroblasts (Schwartz 1998). At least one other publication reported experimental evidence evaluating an impact on protein function, demonstrating altered conformation and strongly increased degradation compared to the wild-type (Schmiesing 2017). The following publications have been ascertained in the context of this evaluation (PMID: 28062662, 37020324, 9600243). Three clinical diagnostic laboratory has submitted clinical-significance assessments for this variant to ClinVar after 2014 without evidence for independent evaluation (Likely pathogenic, n=2; Pathogenic, n=1). Based on the evidence outlined above, the variant was classified as likely pathogenic.

Fulgent Genetics
Classification: Likely pathogenic for Glutaric aciduria, type 1. Last evaluated: 2018-10-31. Review status: criteria provided, single submitter. Criteria: ACMG Guidelines, 2015. Collection method: clinical testing. Allele origin: unknown.

Literature cited by the submitters: PubMed 9600243 (cited by 3 submitters); PubMed 28062662 (cited by Labcorp Genetics (formerly Invitae), Labcorp and Women's Health and Genetics/Laboratory Corporation of America, LabCorp); PubMed 25762492 (cited by Labcorp Genetics (formerly Invitae), Labcorp); PubMed 37020324 (cited by Women's Health and Genetics/Laboratory Corporation of America, LabCorp).

NM_000159.4(GCDH):c.281G>T (p.Arg94Leu)

Gene: GCDH (glutaryl-CoA dehydrogenase; plus strand). Cytogenetic location: 19p13.13.
Variant type: single nucleotide variant.
Coding change: c.281G>T on transcript NM_000159.4 (MANE Select); coding-DNA position 281, G replaced by T.
Protein change: p.Arg94Leu; replaces arginine 94 with leucine.
Molecular consequence: missense variant. On other transcripts: non-coding transcript variant (1).
Genome position (GRCh38, 1-based): chr19:12,892,125, G>T. VCF-style: chr19-12892125-G-T. GRCh37 (hg19) VCF-style: chr19-13002939-G-T.
Other names: c.281G>T, p.Arg94Leu (NM_013976.5); short protein forms R94L.
Identifiers: ClinVar variation 529446 (VCV000529446.16), dbSNP rs566417795, ClinGen allele CA404315814.